The following is an entry in ClinVar:

ClinVar aggregate classification (germline): Conflicting classifications of pathogenicity. Review status: criteria provided, conflicting classifications (1 of 4 stars). 2 submissions from 2 submitters: Likely pathogenic (1); Uncertain significance (1). Last evaluated 2024-04-25.

Conditions:
Biotinidase deficiency. Also called: BTD deficiency; Late-onset biotin-responsive multiple carboxylase deficiency; Biotin deficiency. Identifiers: Orphanet 79241, MedGen C0220754, MONDO:0009665, OMIM 253260.

Submissions (2):

Labcorp Genetics (formerly Invitae), Labcorp
Classification: Likely pathogenic for Biotinidase deficiency. Last evaluated: 2024-04-25. Review status: criteria provided, single submitter. Criteria: Invitae Variant Classification Sherloc (09022015). Collection method: clinical testing. Allele origin: germline.
Comment: This sequence change replaces histidine, which is basic and polar, with arginine, which is basic and polar, at codon 302 of the BTD protein (p.His302Arg). This variant is not present in population databases (gnomAD no frequency). This missense change has been observed in individual(s) with clinical features of biotinidase deficiency (Invitae). In at least one individual the data is consistent with being in trans (on the opposite chromosome) from a pathogenic variant. Advanced modeling of protein sequence and biophysical properties (such as structural, functional, and spatial information, amino acid conservation, physicochemical variation, residue mobility, and thermodynamic stability) performed at Invitae indicates that this missense variant is expected to disrupt BTD protein function with a positive predictive value of 95%. In summary, the currently available evidence indicates that the variant is pathogenic, but additional data are needed to prove that conclusively. Therefore, this variant has been classified as Likely Pathogenic.

Kariminejad - Najmabadi Pathology & Genetics Center
Classification: Uncertain significance for Biotinidase deficiency. Review status: criteria provided, single submitter. Criteria: ACMG Guidelines, 2015. Collection method: clinical testing. Allele origin: germline. Affected: no.

NM_001370658.1(BTD):c.845A>G (p.His282Arg)

Gene: BTD (biotinidase; plus strand). Cytogenetic location: 3p25.1.
Variant type: single nucleotide variant.
Coding change: c.845A>G on transcript NM_001370658.1 (MANE Select); coding-DNA position 845, A replaced by G.
Protein change: p.His282Arg; replaces histidine 282 with arginine.
Molecular consequence: missense variant. On other transcripts: intron variant (6).
Genome position (GRCh38, 1-based): chr3:15,644,761, A>G. VCF-style: chr3-15644761-A-G. GRCh37 (hg19) VCF-style: chr3-15686268-A-G.
Other names: c.845A>G, p.His282Arg (NM_001281723.4, NM_001281724.3, NM_001281725.3 and 18 more transcripts); c.399+2704A>G (NM_001370753.1, NM_001407400.1, NM_001407380.1 and 3 more transcripts); short protein forms H282R.
Identifiers: ClinVar variation 3719088 (VCV003719088.3).